The following is an entry in ClinVar:

ClinVar aggregate classification (germline): Uncertain significance (1 of 4 stars; one submission).

Conditions:
Frontotemporal dementia and/or amyotrophic lateral sclerosis 4. Also called: FTDALS4. Identifiers: Orphanet 275872, MedGen C4225325, MONDO:0014641, OMIM 616439.

Submission:

Labcorp Genetics (formerly Invitae), Labcorp
Classification: Uncertain significance for Frontotemporal dementia and/or amyotrophic lateral sclerosis 4. Last evaluated: 2024-02-01. Review status: criteria provided, single submitter. Criteria: Invitae Variant Classification Sherloc (09022015). Collection method: clinical testing. Allele origin: germline.
Comment: This sequence change falls in intron 17 of the TBK1 gene. It does not directly change the encoded amino acid sequence of the TBK1 protein. It affects a nucleotide within the consensus splice site. This variant is not present in population databases (gnomAD no frequency). This variant has not been reported in the literature in individuals affected with TBK1-related conditions. Variants that disrupt the consensus splice site are a relatively common cause of aberrant splicing (PMID: 17576681, 9536098). Algorithms developed to predict the effect of sequence changes on RNA splicing suggest that this variant may disrupt the consensus splice site. In summary, the available evidence is currently insufficient to determine the role of this variant in disease. Therefore, it has been classified as a Variant of Uncertain Significance.

Literature cited by the submitters: PubMed 17576681; PubMed 9536098.

NM_013254.4(TBK1):c.1862+4del

Gene: TBK1 (TANK binding kinase 1; plus strand). Cytogenetic location: 12q14.2.
Variant type: Deletion.
Coding change: c.1862+4del on transcript NM_013254.4 (MANE Select); 4 bases into the intron after coding-DNA position 1862, one base deleted (A; older notation c.1862+4delA).
Molecular consequence: intron variant.
Genome position (GRCh38, 1-based): chr12:64,497,054, A deleted. VCF-style (leftmost placement, unchanged base first): chr12-64497053-GA-G. GRCh37 (hg19) VCF-style: chr12-64890833-GA-G.
Identifiers: ClinVar variation 3637990 (VCV003637990.2).